The following is an entry in ClinVar:

ClinVar aggregate classification (germline): Benign/Likely benign. Review status: criteria provided, multiple submitters, no conflicts (2 of 4 stars). 9 submissions from 9 submitters: Benign (6); Likely benign (1). 2 of the submissions do not count toward it. Last evaluated 2026-02-04.

Conditions:
Autosomal recessive polycystic kidney disease (ARPKD). Also called: AR polycystic kidney disease. Identifiers: Orphanet 731, Orphanet 8378, MedGen C0085548, MeSH D017044, MONDO:0009889.
Polycystic kidney disease. Also called: Polycystic kidney dysplasia; Kidney, Polycystic. Identifiers: MedGen C0022680, MeSH D007690, MONDO:0020642, HP:0000113.

Allele frequency attached by ClinVar (database versions not stated): gnomAD 0.04948 and 0.04610; TOPMed 0.05227; gnomAD exomes 0.00448 and 0.01177; ESP Exome Variant Server 0.05190; 1000 Genomes Project 0.05212; ExAC 0.01498; 1000 Genomes Project 30x 0.05559.
gnomAD v4.1: 13,808 of 1,612,518 alleles (0.86%); highest among the groups gnomAD compares: African/African-American, 16%; 1,046 homozygotes.

Submissions (9):

Labcorp Genetics (formerly Invitae), Labcorp
Classification: Benign for Autosomal recessive polycystic kidney disease. Last evaluated: 2026-02-04. Review status: criteria provided, single submitter. Criteria: Invitae Variant Classification Sherloc (09022015). Collection method: clinical testing. Allele origin: germline.

Blueprint Genetics
Classification: Likely benign. Last evaluated: 2024-11-26. Review status: criteria provided, single submitter. Criteria: ACMG Guidelines, 2015. Collection method: clinical testing. Allele origin: germline.

Mayo Clinic Laboratories, Mayo Clinic
Classification: Benign. Last evaluated: 2023-04-03. Review status: criteria provided, single submitter. Criteria: ACMG Guidelines, 2015. Collection method: clinical testing. Allele origin: germline. Observed: 42 variant alleles.

GeneDx
Classification: Benign. Last evaluated: 2018-07-14. Review status: criteria provided, single submitter. Criteria: GeneDx Variant Classification Process June 2021. Collection method: clinical testing. Allele origin: germline. Affected: yes.

Illumina Laboratory Services, Illumina
Classification: Benign for Polycystic kidney disease 4. Last evaluated: 2018-01-13. Review status: criteria provided, single submitter. Criteria: ICSL Variant Classification Criteria 13 December 2019. Collection method: clinical testing. Allele origin: germline.
Comment: This variant was observed in the ICSL laboratory as part of a predisposition screen in an ostensibly healthy population. It had not been previously curated by ICSL or reported in the Human Gene Mutation Database (HGMD: prior to June 1st, 2018), and was therefore a candidate for classification through an automated scoring system. Utilizing variant allele frequency, disease prevalence and penetrance estimates, and inheritance mode, an automated score was calculated to assess if this variant is too frequent to cause the disease. Based on the score and internal cut-off values, a variant classified as benign is not then subjected to further curation. The score for this variant resulted in a classification of benign for this disease.

Eurofins Ntd Llc (ga)
Classification: Benign. Last evaluated: 2012-07-17. Review status: criteria provided, single submitter. Criteria: EGL Classification Definitions 2015. Collection method: clinical testing. Allele origin: germline. Observed: 6 variant alleles, 6 heterozygotes.

PreventionGenetics, part of Exact Sciences
Classification: Benign. Review status: criteria provided, single submitter. Criteria: ACMG Guidelines, 2015. Collection method: clinical testing. Allele origin: germline.

Natera, Inc.
Classification: Benign for Autosomal recessive polycystic kidney disease. Last evaluated: 2017-05-11. Review status: no assertion criteria provided. Collection method: clinical testing. Allele origin: germline. Not counted in ClinVar's aggregate classification.

Department of Pathology and Laboratory Medicine, Sinai Health System
Classification: Likely benign for Polycystic Kidney disease. Review status: no assertion criteria provided. Collection method: clinical testing. Allele origin: unknown. Affected: yes. Observed: 1 variant allele. Study: The Canadian Open Genetics Repository (COGR). Not counted in ClinVar's aggregate classification.
Comment: The PKHD1 p.Val3837Ile variant was not identified in the literature nor was it identified in the GeneInsight-COGR, LOVD 3.0, databases. The variant was identified in dbSNP (ID: rs9474034) as With other allele, ClinVar (classified as benign by Initae, EGL Diagnistics; classified as likely benign by illumina), Clinvitae, RWTH AAachen University ARPKD database, databases. The variant was identified in control databases in 4161 of 276500 chromosomes (281 homozygous) at a frequency of 0.02 increasing the likelihood this could be a low frequency benign variant (Genome Aggregation Database Feb 27, 2017). Breakdown of the observations by population include African in 3772 of 24000 chromosomes (freq: 0.2), Other in 47 of 6438 chromosomes (freq: 0.01), Latino in 264 of 34314 chromosomes (freq: 0.01), EuropeanNon-Finnish in 64 of 126248 chromosomes (freq: 0.001), and SouthAsian in 14 of 30766 chromosomes (freq: 0.001), while the variant was not observed in the Ashkenazi Jewish, East Asian, European Finnish, populations. The p.Val3837= residue is not conserved in mammals and computational analyses (PolyPhen-2, SIFT, AlignGVGD, BLOSUM, MutationTaster) do not suggest a high likelihood of impact to the protein; however, this information is not predictive enough to rule out pathogenicity. The p.Val3837Ile variant occurs in the last three bases of the exon. This position has been shown to be part of the splicing consensus sequence and variants involving this position sometimes affect splicing. In addition, 2 of 5 in silico or computational prediction software programs (SpliceSiteFinder, MaxEntScan, NNSPLICE, GeneSplicer, HumanSpliceFinder) predict a greater than 10% difference in splicing. In summary, based on the above information, the clinical significance of this variant cannot be determined with certainty at this time although we would lean towards a more benign role for this variant. This variant is classified as likely benign.

NM_138694.4(PKHD1):c.11509G>A (p.Val3837Ile)

Gene: PKHD1 (PKHD1 ciliary IPT domain containing fibrocystin/polyductin; minus strand). Cytogenetic location: 6p12.3.
Variant type: single nucleotide variant.
Coding change: c.11509G>A on transcript NM_138694.4 (MANE Select); coding-DNA position 11509, G replaced by A.
Protein change: p.Val3837Ile; replaces valine 3837 with isoleucine.
Molecular consequence: missense variant.
Genome position (GRCh38, 1-based): chr6:51,632,721, C>T on the plus strand (G>A on the coding strand, the complement: PKHD1 is on the minus strand). VCF-style: chr6-51632721-C-T. GRCh37 (hg19) VCF-style: chr6-51497519-C-T.
Other names: short protein forms V3837I.
Identifiers: ClinVar variation 96370 (VCV000096370.34), dbSNP rs9474034, ClinGen allele CA149476.